The following is an entry in ClinVar:

ClinVar aggregate classification (germline): Likely benign (1 of 4 stars; one submission).

Submission:

Mayo Clinic Laboratories, Mayo Clinic
Classification: Likely benign. Last evaluated: 2025-01-20. Review status: criteria provided, single submitter. Criteria: ACMG Guidelines, 2015. Collection method: clinical testing. Allele origin: germline. Observed: 1 variant allele.
Comment: BP4, BP7, PM2_supporting

NM_001631.5(ALPI):c.1542G>A (p.Leu514=)

Gene: ALPI (alkaline phosphatase, intestinal; plus strand). Cytogenetic location: 2q37.1.
Variant type: single nucleotide variant.
Coding change: c.1542G>A on transcript NM_001631.5 (MANE Select); coding-DNA position 1542, G replaced by A.
Protein change: p.Leu514=; no amino-acid change (leucine 514 retained).
Molecular consequence: synonymous variant.
Genome position (GRCh38, 1-based): chr2:232,459,101, G>A. VCF-style: chr2-232459101-G-A. GRCh37 (hg19) VCF-style: chr2-233323811-G-A.
Other names: p.Leu514=.
Identifiers: ClinVar variation 4684660 (VCV004684660.1).